The following is an entry in ClinVar:

NM_001875.4(CPS1):c.-79320T>G

Genes: CPS1 (carbamoyl-phosphate synthase 1; plus strand), LANCL1 (LanC like glutathione S-transferase 1; minus strand). Cytogenetic location: 2q34.
Variant type: single nucleotide variant.
Coding change: c.-79320T>G on transcript NM_001875.4; 79320 bases upstream of the start codon, T replaced by G.
Genome position (GRCh38, 1-based): chr2:210,477,414, T>G. VCF-style: chr2-210477414-T-G. GRCh37 (hg19) VCF-style: chr2-211342138-T-G.
Identifiers: ClinVar variation 671408 (VCV000671408.3), dbSNP rs3755182, ClinGen allele CA15150165.

ClinVar aggregate classification (germline): Benign (1 of 4 stars; one submission).

Allele frequency attached by ClinVar (database versions not stated): 1000 Genomes Project 30x 0.45831; gnomAD 0.41135 and 0.42124; TOPMed 0.41929; 1000 Genomes Project 0.46466.
gnomAD v4.1: 370,101 of 757,554 alleles (49%); highest among the groups gnomAD compares: East Asian, 58%; 93,373 homozygotes.

Submission:

GeneDx
Classification: Benign. Last evaluated: 2018-06-14. Review status: criteria provided, single submitter. Criteria: GeneDx Variant Classification (06012015). Collection method: clinical testing. Allele origin: germline. Affected: yes.
Comment: This variant is considered likely benign or benign based on one or more of the following criteria: it is a conservative change, it occurs at a poorly conserved position in the protein, it is predicted to be benign by multiple in silico algorithms, and/or has population frequency not consistent with disease.